The following is an entry in ClinVar:

ClinVar aggregate classification (germline): Uncertain significance. Review status: criteria provided, multiple submitters, no conflicts (2 of 4 stars). 2 submissions from 2 submitters: Uncertain significance (2). Last evaluated 2023-06-16.

Conditions:
Vici syndrome (VICIS). Identifiers: Orphanet 1493, MedGen C1855772, MONDO:0009452, OMIM 242840.
Inborn genetic diseases. Identifiers: MedGen C0950123, MeSH D030342.

Allele frequency attached by ClinVar (database versions not stated): gnomAD exomes below 0.00001; gnomAD 0.00001; TOPMed 0.00001.
gnomAD v4.1: 5 of 1,614,044 alleles (0.00031%); highest among the groups gnomAD compares: African/African-American, 0.0067%; no homozygotes.

Submissions (2):

Ambry Genetics
Classification: Uncertain significance for Inborn genetic diseases. Last evaluated: 2023-06-16. Review status: criteria provided, single submitter. Criteria: Ambry Variant Classification Scheme 2023. Collection method: clinical testing. Allele origin: germline.

Labcorp Genetics (formerly Invitae), Labcorp
Classification: Uncertain significance for Vici syndrome. Last evaluated: 2021-09-02. Review status: criteria provided, single submitter. Criteria: Invitae Variant Classification Sherloc (09022015). Collection method: clinical testing. Allele origin: germline.
Comment: This sequence change replaces glutamic acid with lysine at codon 2392 of the EPG5 protein (p.Glu2392Lys). The glutamic acid residue is moderately conserved and there is a small physicochemical difference between glutamic acid and lysine. This variant is not present in population databases (ExAC no frequency). This variant has not been reported in the literature in individuals affected with EPG5-related conditions. Algorithms developed to predict the effect of missense changes on protein structure and function (SIFT, PolyPhen-2, Align-GVGD) all suggest that this variant is likely to be tolerated. In summary, the available evidence is currently insufficient to determine the role of this variant in disease. Therefore, it has been classified as a Variant of Uncertain Significance.

NM_020964.3(EPG5):c.7174G>A (p.Glu2392Lys)

Gene: EPG5 (ectopic P-granules 5 autophagy tethering factor; minus strand). Cytogenetic location: 18q12.3.
Variant type: single nucleotide variant.
Coding change: c.7174G>A on transcript NM_020964.3 (MANE Select); coding-DNA position 7174, G replaced by A.
Protein change: p.Glu2392Lys; replaces glutamic acid 2392 with lysine.
Molecular consequence: missense variant.
Genome position (GRCh38, 1-based): chr18:45,858,618, C>T on the plus strand (G>A on the coding strand, the complement: EPG5 is on the minus strand). VCF-style: chr18-45858618-C-T. GRCh37 (hg19) VCF-style: chr18-43438583-C-T.
Other names: c.7174G>A (NM_020964.2); short protein forms E2392K.
Identifiers: ClinVar variation 1022656 (VCV001022656.8), dbSNP rs1399290496, ClinGen allele CA402336364.